The following is an entry in ClinVar:

ClinVar aggregate classification (germline): Uncertain significance (1 of 4 stars; one submission).

Conditions:
Intellectual disability. Also called: Intellectual functioning disability; intellectual disabilities; Intellectual developmental disorder. Identifiers: MedGen C3714756, MeSH D008607, MONDO:0001071, HP:0001249.

Submission:

Labcorp Genetics (formerly Invitae), Labcorp
Classification: Uncertain significance for Intellectual disability. Last evaluated: 2023-02-14. Review status: criteria provided, single submitter. Criteria: Invitae Variant Classification Sherloc (09022015). Collection method: clinical testing. Allele origin: germline.
Comment: In summary, the available evidence is currently insufficient to determine the role of this variant in disease. Therefore, it has been classified as a Variant of Uncertain Significance. Advanced modeling of protein sequence and biophysical properties (such as structural, functional, and spatial information, amino acid conservation, physicochemical variation, residue mobility, and thermodynamic stability) has been performed at Invitae for this missense variant, however the output from this modeling did not meet the statistical confidence thresholds required to predict the impact of this variant on GABRB2 protein function. This variant has not been reported in the literature in individuals affected with GABRB2-related conditions. This variant is not present in population databases (gnomAD no frequency). This sequence change replaces arginine, which is basic and polar, with threonine, which is neutral and polar, at codon 52 of the GABRB2 protein (p.Arg52Thr).

NM_001371727.1(GABRB2):c.155G>C (p.Arg52Thr)

Gene: GABRB2 (gamma-aminobutyric acid type A receptor subunit beta2; minus strand). Cytogenetic location: 5q34.
Variant type: single nucleotide variant.
Coding change: c.155G>C on transcript NM_001371727.1 (MANE Select); coding-DNA position 155, G replaced by C.
Protein change: p.Arg52Thr; replaces arginine 52 with threonine.
Molecular consequence: missense variant.
Genome position (GRCh38, 1-based): chr5:161,546,336, C>G on the plus strand (G>C on the coding strand, the complement: GABRB2 is on the minus strand). VCF-style: chr5-161546336-C-G. GRCh37 (hg19) VCF-style: chr5-160973342-C-G.
Other names: c.155G>C, p.Arg52Thr (NM_000813.3, NM_021911.3); short protein forms R52T.
Identifiers: ClinVar variation 2819929 (VCV002819929.3), dbSNP rs2480169421, ClinGen allele CA362172557.
Genomic context (GRCh38, chr5:161,546,336, plus strand): 5'-ACAGCTTCGGCTGTGGCTGGACTTATTTGCAAGGCAACCCCATTACCTCCAAAATCTGGT[C>G]TCAGACGAATGTCATAGCCTTTCAGGAGTCTATCCACCGTCTCTTTAACCAGCGACATAT-3'
Protein context (NP_001358656.1, residues 42-62): RLLKGYDIRL[Arg52Thr]PDFGGPPVAV